The following is an entry in ClinVar:

NM_005076.5(CNTN2):c.63C>T (p.Ser21=)

Gene: CNTN2 (contactin 2; plus strand). Cytogenetic location: 1q32.1.
Variant type: single nucleotide variant.
Coding change: c.63C>T on transcript NM_005076.5 (MANE Select); coding-DNA position 63, C replaced by T.
Protein change: p.Ser21=; no amino-acid change (serine 21 retained).
Molecular consequence: synonymous variant. On other transcripts: non-coding transcript variant (1).
Genome position (GRCh38, 1-based): chr1:205,053,248, C>T. VCF-style: chr1-205053248-C-T. GRCh37 (hg19) VCF-style: chr1-205022376-C-T.
Other names: c.63C>T, p.Ser21= (NM_001346083.2); c.63C>T (NM_005076.4).
Identifiers: ClinVar variation 474487 (VCV000474487.14), dbSNP rs149630443, ClinGen allele CA1350915.

ClinVar aggregate classification (germline): Benign. Review status: criteria provided, single submitter (1 of 4 stars). 2 submissions from 2 submitters: Benign (1). 1 of the submissions does not count toward it. Last evaluated 2026-01-28.

Conditions:
Epilepsy, familial adult myoclonic, 5 (EPEO5). Also called: CORTICAL MYOCLONIC TREMOR WITH EPILEPSY, FAMILIAL, 5. Identifiers: Orphanet 86814, MedGen C3809374, MONDO:0014167, OMIM 615400.
CNTN2-related disorder. Also called: CNTN2-related condition.

Allele frequency attached by ClinVar (database versions not stated): ESP Exome Variant Server 0.00023; 1000 Genomes Project 30x 0.00031; TOPMed 0.00039; 1000 Genomes Project 0.00040; gnomAD 0.00045 and 0.00048; gnomAD exomes 0.00060 and 0.00079; ExAC 0.00068.
gnomAD v4.1: 1,210 of 1,612,632 alleles (0.075%); highest among the groups gnomAD compares: South Asian, 0.17%; 2 homozygotes.

Submissions (2):

Labcorp Genetics (formerly Invitae), Labcorp
Classification: Benign for Epilepsy, familial adult myoclonic, 5. Last evaluated: 2026-01-28. Review status: criteria provided, single submitter. Criteria: Invitae Variant Classification Sherloc (09022015). Collection method: clinical testing. Allele origin: germline.

PreventionGenetics, part of Exact Sciences
Classification: Likely benign for CNTN2-related condition. Last evaluated: 2020-01-10. Review status: no assertion criteria provided. Collection method: clinical testing. Allele origin: germline. Not counted in ClinVar's aggregate classification.
Comment: This variant is classified as likely benign based on ACMG/AMP sequence variant interpretation guidelines (Richards et al. 2015 PMID: 25741868, with internal and published modifications).